The following is an entry in ClinVar:

ClinVar aggregate classification (germline): Uncertain significance. Review status: criteria provided, single submitter (1 of 4 stars). 2 submissions from 2 submitters: Uncertain significance (1). 1 of the submissions does not count toward it. Last evaluated 2022-04-28.

Conditions:
ARSA-related disorder. Also called: ARSA-related condition.
Metachromatic leukodystrophy (MLD). Also called: SULFATIDE LIPIDOSIS; Cerebral sclerosis diffuse metachromatic form; Arylsulfatase A Deficiency; CEREBROSIDE SULFATASE DEFICIENCY; METACHROMATIC LEUKOENCEPHALOPATHY; ARSA DEFICIENCY. Identifiers: Orphanet 512, MedGen C0023522, MONDO:0018868, OMIM 250100.

Allele frequency attached by ClinVar (database versions not stated): gnomAD 0.00004; gnomAD exomes 0.00004; TOPMed 0.00004.
gnomAD v4.1: 66 of 1,563,096 alleles (0.0042%); highest among the groups gnomAD compares: Non-Finnish European, 0.0055%; no homozygotes.

Submissions (2):

Labcorp Genetics (formerly Invitae), Labcorp
Classification: Uncertain significance for Metachromatic leukodystrophy. Last evaluated: 2022-04-28. Review status: criteria provided, single submitter. Criteria: Invitae Variant Classification Sherloc (09022015). Collection method: clinical testing. Allele origin: germline.
Comment: This sequence change replaces glycine, which is neutral and non-polar, with arginine, which is basic and polar, at codon 57 of the ARSA protein (p.Gly57Arg). The frequency data for this variant in the population databases is considered unreliable, as metrics indicate poor data quality at this position in the gnomAD database. This variant has not been reported in the literature in individuals affected with ARSA-related conditions. Algorithms developed to predict the effect of missense changes on protein structure and function (SIFT, PolyPhen-2, Align-GVGD) all suggest that this variant is likely to be tolerated. In summary, the available evidence is currently insufficient to determine the role of this variant in disease. Therefore, it has been classified as a Variant of Uncertain Significance.

PreventionGenetics, part of Exact Sciences
Classification: Uncertain significance for ARSA-related condition. Last evaluated: 2024-07-18. Review status: no assertion criteria provided. Collection method: clinical testing. Allele origin: germline. Not counted in ClinVar's aggregate classification.
Comment: The ARSA c.169G>A variant is predicted to result in the amino acid substitution p.Gly57Arg. To our knowledge, this variant has not been reported in the literature. This variant is reported in 0.0047% of alleles in individuals of European (Non-Finnish) descent in gnomAD. At this time, the clinical significance of this variant is uncertain due to the absence of conclusive functional and genetic evidence.

NM_000487.6(ARSA):c.169G>A (p.Gly57Arg)

Gene: ARSA (arylsulfatase A; minus strand). Cytogenetic location: 22q13.33.
Variant type: single nucleotide variant.
Coding change: c.169G>A on transcript NM_000487.6 (MANE Select); coding-DNA position 169, G replaced by A.
Protein change: p.Gly57Arg; replaces glycine 57 with arginine.
Molecular consequence: missense variant. On other transcripts: intron variant (2).
Genome position (GRCh38, 1-based): chr22:50,627,611, C>T on the plus strand (G>A on the coding strand, the complement: ARSA is on the minus strand). VCF-style: chr22-50627611-C-T. GRCh37 (hg19) VCF-style: chr22-51066039-C-T.
Other names: c.169G>A, p.Gly57Arg (NM_001085426.3, NM_001085427.3, NM_001085425.3); c.-34-205G>A (NM_001362782.2, NM_001085428.3); c.169G>A (NM_000487.5); short protein forms G57R.
Identifiers: ClinVar variation 2050368 (VCV002050368.2), dbSNP rs957552414, ClinGen allele CA325531672.